The following is an entry in ClinVar:

NC_000005.9:g.(?_138356840)_(138860503_?)dup

Genes: DNAJC18 (DnaJ heat shock protein family (Hsp40) member C18; minus strand), ECSCR (endothelial cell surface expressed chemotaxis and apoptosis regulator; minus strand), MATR3 (matrin 3; plus strand), MZB1 (marginal zone B and B1 cell specific protein; minus strand), PAIP2 (poly(A) binding protein interacting protein 2; plus strand) and 6 more. Cytogenetic location: 5q31.2.
Variant type: Duplication.
Identifiers: ClinVar variation 3246406 (VCV003246406.1).

ClinVar aggregate classification (germline): Uncertain significance (1 of 4 stars; one submission).

Conditions:
STING-associated vasculopathy with onset in infancy. Also called: Sting-associated vasculopathy, infantile-onset. Identifiers: Orphanet 425120, MedGen C4014722, MONDO:0014405, OMIM 615934.

Submission:

Labcorp Genetics (formerly Invitae), Labcorp
Classification: Uncertain significance for STING-associated vasculopathy with onset in infancy. Last evaluated: 2023-04-20. Review status: criteria provided, single submitter. Criteria: Invitae Variant Classification Sherloc (09022015). Collection method: clinical testing. Allele origin: unknown.
Comment: In summary, the available evidence is currently insufficient to determine the role of this variant in disease. Therefore, it has been classified as a Variant of Uncertain Significance. Experimental studies and prediction algorithms are not available or were not evaluated, and the functional significance of this variant is currently unknown. This variant has not been reported in the literature in individuals affected with TMEM173-related conditions. This variant results in a copy number gain of the genomic region encompassing exon(s) 5-8 of the TMEM173 gene. This region includes the termination codon of the gene. This copy number gain extends beyond the assayed region for this gene and therefore may encompass additional genes. As the precise location of this event is unknown, it may be in tandem or it may be located elsewhere in the genome.